The following is an entry in ClinVar:

NM_032119.4(ADGRV1):c.9447+6G>A

Gene: ADGRV1 (adhesion G protein-coupled receptor V1; plus strand). Cytogenetic location: 5q14.3.
Variant type: single nucleotide variant.
Coding change: c.9447+6G>A on transcript NM_032119.4 (MANE Select); 6 bases into the intron after coding-DNA position 9447, G replaced by A.
Molecular consequence: intron variant.
Genome position (GRCh38, 1-based): chr5:90,716,735, G>A. VCF-style: chr5-90716735-G-A. GRCh37 (hg19) VCF-style: chr5-90012552-G-A.
Identifiers: ClinVar variation 163588 (VCV000163588.70), dbSNP rs201481219, ClinGen allele CA176205.

ClinVar aggregate classification (germline): Conflicting classifications of pathogenicity. Review status: criteria provided, conflicting classifications (1 of 4 stars). 11 submissions from 11 submitters: Uncertain significance (2); Benign (2); Likely benign (6). 1 of the submissions does not count toward it. Last evaluated 2026-02-04.

Conditions:
Usher syndrome type 2C. Also called: Usher syndrome, type 2B; USHER SYNDROME, TYPE IIC. Identifiers: Orphanet 231178, Orphanet 886, MedGen C2931213, MONDO:0011558, OMIM 605472.

Allele frequency attached by ClinVar (database versions not stated): ESP Exome Variant Server 0.00051; gnomAD 0.00083 and 0.00087; ExAC 0.00086; gnomAD exomes 0.00091; TOPMed 0.00119; 1000 Genomes Project 0.00120; 1000 Genomes Project 30x 0.00141.
gnomAD v4.1: 1,148 of 1,602,634 alleles (0.072%); highest among the groups gnomAD compares: Middle Eastern, 1.4%; 4 homozygotes.

Submissions (11):

Labcorp Genetics (formerly Invitae), Labcorp
Classification: Likely benign. Last evaluated: 2026-02-04. Review status: criteria provided, single submitter. Criteria: Invitae Variant Classification Sherloc (09022015). Collection method: clinical testing. Allele origin: germline.

Laboratory of Genetics, Children's Clinical University Hospital Latvia
Classification: Likely benign. Last evaluated: 2025-02-16. Review status: criteria provided, single submitter. Criteria: ACMG Guidelines, 2015. Collection method: clinical testing. Allele origin: germline. Affected: yes.

Athena Diagnostics
Classification: Benign. Last evaluated: 2025-01-03. Review status: criteria provided, single submitter. Criteria: Athena Diagnostics Criteria. Collection method: clinical testing. Allele origin: unknown.
Comment: The frequency of this variant in the general population is higher than would generally be expected for pathogenic variants in this gene.

Blueprint Genetics
Classification: Likely benign. Last evaluated: 2024-11-05. Review status: criteria provided, single submitter. Criteria: ACMG Guidelines, 2015. Collection method: clinical testing. Allele origin: germline.

CeGaT Center for Human Genetics Tuebingen
Classification: Likely benign. Last evaluated: 2024-10-01. Review status: criteria provided, single submitter. Criteria: CeGaT Center For Human Genetics Tuebingen Variant Classification Criteria Version 2. Collection method: clinical testing. Allele origin: germline. Affected: yes. Observed: 7 variant alleles.
Comment: ADGRV1: BP4, BS2

GeneDx
Classification: Benign. Last evaluated: 2020-06-25. Review status: criteria provided, single submitter. Criteria: GeneDx Variant Classification Process June 2021. Collection method: clinical testing. Allele origin: germline. Affected: yes.

Illumina Laboratory Services, Illumina
Classification: Uncertain significance for Usher syndrome type 2C. Last evaluated: 2018-01-13. Review status: criteria provided, single submitter. Criteria: ICSL Variant Classification Criteria 13 December 2019. Collection method: clinical testing. Allele origin: germline.

Genomic Diagnostic Laboratory, Division of Genomic Diagnostics, Children's Hospital of Philadelphia
Classification: Likely benign. Last evaluated: 2015-10-31. Review status: criteria provided, single submitter. Criteria: DGD Variant Analysis Guidelines. Collection method: clinical testing. Allele origin: unknown.

Eurofins Ntd Llc (ga)
Classification: Uncertain significance. Last evaluated: 2015-06-23. Review status: criteria provided, single submitter. Criteria: EGL Classification Definitions 2015. Collection method: clinical testing. Allele origin: germline. Observed: 3 variant alleles, 3 heterozygotes.

Laboratory for Molecular Medicine, Mass General Brigham Personalized Medicine
Classification: Likely benign. Last evaluated: 2015-06-19. Review status: criteria provided, single submitter. Criteria: LMM Criteria. Collection method: clinical testing. Allele origin: germline. Observed: 3 variant alleles.
Comment: c.9447+6G>A in intron 6 of GPR98: This variant is not expected to have clinical significance because it has been identified in 0.3% (32/11530) of Latino chromos omes by the Exome Aggregation Consortium (ExAC; dbSNP rs201481219).

Department of Pathology and Laboratory Medicine, Sinai Health System
Classification: Uncertain significance. Review status: no assertion criteria provided. Collection method: clinical testing. Allele origin: unknown. Affected: yes. Study: The Canadian Open Genetics Repository (COGR). Not counted in ClinVar's aggregate classification.
Comment: The ADGRV1 c.9447+6G>A variant was not identified in the literature but was identified in dbSNP (ID: rs201481219) and ClinVar (classified as a VUS by EGL Genetics and as likely benign by Laboratory for Molecular Medicine and Division of Genomic Diagnostics at The Children's Hospital of Philadelphia). The variant was also identified in control databases in 246 of 277482 chromosomes at a frequency of 0.000887 increasing the likelihood this could be a low frequency benign variant (Genome Aggregation Database Feb 27, 2017). The variant was observed in the following populations: Ashkenazi Jewish in 32 of 10164 chromosomes (freq: 0.003148), Latino in 78 of 34728 chromosomes (freq: 0.002246), Other in 7 of 7030 chromosomes (freq: 0.000996), African in 19 of 24152 chromosomes (freq: 0.000787), European (non-Finnish) in 96 of 127122 chromosomes (freq: 0.000755), South Asian in 13 of 30042 chromosomes (freq: 0.000433) and European (Finnish) in 1 of 24812 chromosomes (freq: 0.00004), but was not observed in the East Asian population. The c.9447+6G>A variant is located in the 5' splice region but does not affect the invariant +1 and +2 positions. However, positions +3 to +6 are part of the splicing consensus sequence and variants involving these positions sometimes affect splicing. In addition, three of four in silico or computational prediction software programs (SpliceSiteFinder, MaxEntScan, NNSPLICE, GeneSplicer) predict a greater than 10% difference in splicing and the creation of a new 5' splice site. However this splicing prediction has not been confirmed by RNA analysis. In summary, based on the above information the clinical significance of this variant cannot be determined with certainty at this time. This variant is classified as a variant of uncertain significance.

Literature cited by the submitters: PubMed 26970254 (cited by Athena Diagnostics).